The following is an entry in ClinVar:

NM_004035.7(ACOX1):c.1406del (p.Ala469fs)

Gene: ACOX1 (acyl-CoA oxidase 1; minus strand). Cytogenetic location: 17q25.1.
Variant type: Deletion.
Coding change: c.1406del on transcript NM_004035.7 (MANE Select); coding-DNA position 1406, one base deleted (C; older notation c.1406delC).
Protein change: p.Ala469fs; shifts the reading frame from alanine 469.
Molecular consequence: frameshift variant.
Genome position (GRCh38, 1-based): chr17:75,949,790, G deleted on the plus strand (C on the coding strand, the reverse complement: ACOX1 is on the minus strand). VCF-style (leftmost placement, unchanged base first): chr17-75949789-TG-T. GRCh37 (hg19) VCF-style: chr17-73945870-TG-T.
Other names: c.1292del, p.Ala431fs (NM_001185039.2); c.1406del, p.Ala469fs (NM_007292.6); short protein forms A469fs, A431fs.
Identifiers: ClinVar variation 2110077 (VCV002110077.4), dbSNP rs2546075164, ClinGen allele CA2580095204.

ClinVar aggregate classification (germline): Pathogenic (1 of 4 stars; one submission).

Conditions:
Acyl-CoA oxidase deficiency. Also called: Pseudoneonatal adrenoleukodystrophy; STRAIGHT-CHAIN ACYL-CoA OXIDASE DEFICIENCY; Peroxisomal acyl-CoA oxidase deficiency. Identifiers: Orphanet 2971, MedGen C1849678, MONDO:0009919, OMIM 264470. Disease mechanism: loss of function.

Submission:

Labcorp Genetics (formerly Invitae), Labcorp
Classification: Pathogenic for Acyl-CoA oxidase deficiency. Last evaluated: 2026-01-12. Review status: criteria provided, single submitter. Criteria: Invitae Variant Classification Sherloc (09022015). Collection method: clinical testing. Allele origin: germline.
Comment: This sequence change creates a premature translational stop signal (p.Ala469Glufs*15) in the ACOX1 gene. It is expected to result in an absent or disrupted protein product. Loss-of-function variants in ACOX1 are known to be pathogenic (PMID: 8040306, 17458872). This variant is not present in population databases (gnomAD no frequency). This variant has not been reported in the literature in individuals affected with ACOX1-related conditions. ClinVar contains an entry for this variant (Variation ID: 2110077). For these reasons, this variant has been classified as Pathogenic.

Literature cited by the submitters: PubMed 8040306; PubMed 17458872.